The following is an entry in ClinVar:

ClinVar aggregate classification (germline): Uncertain significance (1 of 4 stars; one submission).

Conditions:
Rhabdoid tumor predisposition syndrome 2 (RTPS2). Identifiers: Orphanet 231108, Orphanet 69077, MedGen C2750074, MONDO:0013224, OMIM 613325.

Submission:

Labcorp Genetics (formerly Invitae), Labcorp
Classification: Uncertain significance for Rhabdoid tumor predisposition syndrome 2. Last evaluated: 2018-10-13. Review status: criteria provided, single submitter. Criteria: Invitae Variant Classification Sherloc (09022015). Collection method: clinical testing. Allele origin: germline.
Comment: This sequence change replaces serine with isoleucine at codon 1602 of the SMARCA4 protein (p.Ser1602Ile). The serine residue is highly conserved and there is a large physicochemical difference between serine and isoleucine. This variant is not present in population databases (ExAC no frequency). This variant has not been reported in the literature in individuals with SMARCA4-related disease. Algorithms developed to predict the effect of missense changes on protein structure and function are either unavailable or do not agree on the potential impact of this missense change (SIFT: "Deleterious"; PolyPhen-2: "Benign"; Align-GVGD: "Class C15"). In summary, the available evidence is currently insufficient to determine the role of this variant in disease. Therefore, it has been classified as a Variant of Uncertain Significance.

NM_003072.5(SMARCA4):c.4709G>T (p.Ser1570Ile)

Gene: SMARCA4 (SWI/SNF related BAF chromatin remodeling complex subunit ATPase 4; plus strand). Cytogenetic location: 19p13.2.
Variant type: single nucleotide variant.
Coding change: c.4709G>T on transcript NM_003072.5 (MANE Select); coding-DNA position 4709, G replaced by T.
Protein change: p.Ser1570Ile; replaces serine 1570 with isoleucine.
Molecular consequence: missense variant. On other transcripts: non-coding transcript variant (1).
Genome position (GRCh38, 1-based): chr19:11,059,826, G>T. VCF-style: chr19-11059826-G-T. GRCh37 (hg19) VCF-style: chr19-11170502-G-T.
Other names: c.4709G>T, p.Ser1570Ile (NM_001128844.3); c.4619G>T, p.Ser1540Ile (NM_001128845.2); c.4616G>T, p.Ser1539Ile (NM_001128846.2); c.4610G>T, p.Ser1537Ile (NM_001128847.4, NM_001374457.1); c.4607G>T, p.Ser1536Ile (NM_001128848.2); c.4805G>T, p.Ser1602Ile (NM_001128849.3, NM_001387283.1); short protein forms S1537I, S1540I, S1570I, S1536I, S1539I, S1602I.
Identifiers: ClinVar variation 662416 (VCV000662416.8), dbSNP rs966588548, ClinGen allele CA404079510.